The following is an entry in ClinVar:

NM_001130438.3(SPTAN1):c.103C>T (p.Leu35Phe)

Gene: SPTAN1 (spectrin alpha, non-erythrocytic 1; plus strand). Cytogenetic location: 9q34.11.
Variant type: single nucleotide variant.
Coding change: c.103C>T on transcript NM_001130438.3 (MANE Select); coding-DNA position 103, C replaced by T.
Protein change: p.Leu35Phe; replaces leucine 35 with phenylalanine.
Molecular consequence: missense variant.
Genome position (GRCh38, 1-based): chr9:128,566,843, C>T. VCF-style: chr9-128566843-C-T. GRCh37 (hg19) VCF-style: chr9-131329122-C-T.
Other names: c.103C>T, p.Leu35Phe (NM_001195532.2, NM_001363759.2, NM_001363765.2 and 5 more transcripts); c.139C>T, p.Leu47Phe (NM_001375312.2, NM_001375318.1); short protein forms L35F, L47F.
Identifiers: ClinVar variation 3631528 (VCV003631528.2).

ClinVar aggregate classification (germline): Uncertain significance (1 of 4 stars; one submission).

Conditions:
Early-infantile DEE. Also called: Early infantile epileptic encephalopathy with suppression bursts; Early infantile epileptic encephalopathy; Ohtahara syndrome. Identifiers: Orphanet 1934, MedGen C0393706, MONDO:0800491.

Submission:

Labcorp Genetics (formerly Invitae), Labcorp
Classification: Uncertain significance for Early-infantile DEE. Last evaluated: 2025-01-25. Review status: criteria provided, single submitter. Criteria: Invitae Variant Classification Sherloc (09022015). Collection method: clinical testing. Allele origin: germline.
Comment: This sequence change replaces leucine, which is neutral and non-polar, with phenylalanine, which is neutral and non-polar, at codon 35 of the SPTAN1 protein (p.Leu35Phe). This variant is not present in population databases (gnomAD no frequency). This variant has not been reported in the literature in individuals affected with SPTAN1-related conditions. Invitae Evidence Modeling of protein sequence and biophysical properties (such as structural, functional, and spatial information, amino acid conservation, physicochemical variation, residue mobility, and thermodynamic stability) has been performed for this missense variant. However, the output from this modeling did not meet the statistical confidence thresholds required to predict the impact of this variant on SPTAN1 protein function. In summary, the available evidence is currently insufficient to determine the role of this variant in disease. Therefore, it has been classified as a Variant of Uncertain Significance.